The following is an entry in ClinVar:

NM_005428.4(VAV1):c.1828C>G (p.Pro610Ala)

Gene: VAV1 (vav guanine nucleotide exchange factor 1; plus strand). Cytogenetic location: 19p13.3.
Variant type: single nucleotide variant.
Coding change: c.1828C>G on transcript NM_005428.4 (MANE Select); coding-DNA position 1828, C replaced by G.
Protein change: p.Pro610Ala; replaces proline 610 with alanine.
Molecular consequence: missense variant.
Genome position (GRCh38, 1-based): chr19:6,836,482, C>G. VCF-style: chr19-6836482-C-G. GRCh37 (hg19) VCF-style: chr19-6836493-C-G.
Other names: c.1828C>G, p.Pro610Ala (NM_001258206.2); c.1732C>G, p.Pro578Ala (NM_001258207.2); c.1828C>G (NM_005428.2); short protein forms P610A, P578A.
Identifiers: ClinVar variation 2901750 (VCV002901750.4), dbSNP rs765599789, ClinGen allele CA9132756.

ClinVar aggregate classification (germline): Uncertain significance. Review status: criteria provided, multiple submitters, no conflicts (2 of 4 stars). 2 submissions from 2 submitters: Uncertain significance (2). Last evaluated 2025-01-26.

Allele frequency attached by ClinVar (database versions not stated): ExAC 0.00001.
gnomAD v4.1: 4 of 1,614,102 alleles (0.00025%); highest among the groups gnomAD compares: African/African-American, 0.0013%; no homozygotes.

Submissions (2):

Ambry Genetics
Classification: Uncertain significance. Last evaluated: 2025-01-26. Review status: criteria provided, single submitter. Criteria: Ambry Variant Classification Scheme 2023. Collection method: clinical testing. Allele origin: germline.

Labcorp Genetics (formerly Invitae), Labcorp
Classification: Uncertain significance. Last evaluated: 2024-01-23. Review status: criteria provided, single submitter. Criteria: Invitae Variant Classification Sherloc (09022015). Collection method: clinical testing. Allele origin: germline.
Comment: This sequence change replaces proline, which is neutral and non-polar, with alanine, which is neutral and non-polar, at codon 610 of the VAV1 protein (p.Pro610Ala). This variant is present in population databases (rs765599789, gnomAD 0.003%). This variant has not been reported in the literature in individuals affected with VAV1-related conditions. An algorithm developed to predict the effect of missense changes on protein structure and function (PolyPhen-2) suggests that this variant is likely to be disruptive. In summary, the available evidence is currently insufficient to determine the role of this variant in disease. Therefore, it has been classified as a Variant of Uncertain Significance.